The following is an entry in ClinVar:

NM_006767.4(LZTR1):c.2004C>G (p.Asp668Glu)

Gene: LZTR1 (leucine zipper like post translational regulator 1; plus strand). Cytogenetic location: 22q11.21.
Variant type: single nucleotide variant.
Coding change: c.2004C>G on transcript NM_006767.4 (MANE Select); coding-DNA position 2004, C replaced by G.
Protein change: p.Asp668Glu; replaces aspartic acid 668 with glutamic acid.
Molecular consequence: missense variant.
Genome position (GRCh38, 1-based): chr22:20,995,807, C>G. VCF-style: chr22-20995807-C-G. GRCh37 (hg19) VCF-style: chr22-21350096-C-G.
Other names: short protein forms D668E.
Identifiers: ClinVar variation 1784293 (VCV001784293.2), dbSNP rs2518623924, ClinGen allele CA410779047.
Genomic context (GRCh38, chr22:20,995,807, plus strand): 5'-CACATCTCTGATCCAGGACATGAAGGCATACCTGGAGGGAGCGGGCGCGGAATTCTGTGA[C>G]ATCACTCTGTTGCTTGACGGGCACCCACGGCCAGCCCACAAGGCTATCCTGGCCGCCCGC-3'
Protein context (NP_006758.2, residues 658-678): YLEGAGAEFC[Asp668Glu]ITLLLDGHPR

ClinVar aggregate classification (germline): Uncertain significance (1 of 4 stars; one submission).

Conditions:
Hereditary cancer-predisposing syndrome. Also called: Neoplastic Syndromes, Hereditary; Tumor predisposition; Hereditary Cancer Syndrome; Hereditary neoplastic syndrome. Identifiers: Orphanet 140162, MedGen C0027672, MeSH D009386, MONDO:0015356.
Cardiovascular phenotype. Identifiers: MedGen CN230736.

Submission:

Ambry Genetics
Classification: Uncertain significance for Cardiovascular phenotype; Hereditary cancer-predisposing syndrome. Last evaluated: 2022-10-09. Review status: criteria provided, single submitter. Criteria: Ambry Variant Classification Scheme 2023. Collection method: clinical testing. Allele origin: germline.
Comment: The p.D668E variant (also known as c.2004C>G), located in coding exon 17 of the LZTR1 gene, results from a C to G substitution at nucleotide position 2004. The aspartic acid at codon 668 is replaced by glutamic acid, an amino acid with highly similar properties. This amino acid position is conserved. In addition, this alteration is predicted to be deleterious by in silico analysis. Since supporting evidence is limited at this time, the clinical significance of this alteration remains unclear.